The following is an entry in ClinVar:

ClinVar aggregate classification (germline): Uncertain significance (1 of 4 stars; one submission).

Conditions:
Hereditary cancer-predisposing syndrome. Also called: Neoplastic Syndromes, Hereditary; Tumor predisposition; Hereditary Cancer Syndrome; Hereditary neoplastic syndrome. Identifiers: Orphanet 140162, MedGen C0027672, MeSH D009386, MONDO:0015356.

Submission:

Ambry Genetics
Classification: Uncertain significance for Hereditary cancer-predisposing syndrome. Last evaluated: 2026-01-06. Review status: criteria provided, single submitter. Criteria: Ambry Variant Classification Scheme 2023. Collection method: clinical testing. Allele origin: germline.
Comment: The p.M1107I variant (also known as c.3321G>A), located in coding exon 21 of the RAD50 gene, results from a G to A substitution at nucleotide position 3321. The methionine at codon 1107 is replaced by isoleucine, an amino acid with highly similar properties. This amino acid position is conserved. In addition, this alteration is predicted to be tolerated by in silico analysis. Based on the available evidence, the clinical significance of this variant remains unclear.

NM_005732.4(RAD50):c.3321G>A (p.Met1107Ile)

Gene: RAD50 (RAD50 double strand break repair protein; plus strand). Cytogenetic location: 5q31.1.
Variant type: single nucleotide variant.
Coding change: c.3321G>A on transcript NM_005732.4 (MANE Select); coding-DNA position 3321, G replaced by A.
Protein change: p.Met1107Ile; replaces methionine 1107 with isoleucine.
Molecular consequence: missense variant.
Genome position (GRCh38, 1-based): chr5:132,618,226, G>A. VCF-style: chr5-132618226-G-A. GRCh37 (hg19) VCF-style: chr5-131953918-G-A.
Other names: short protein forms M1107I.
Identifiers: ClinVar variation 4842948 (VCV004842948.1).
Genomic context (GRCh38, chr5:132,618,226, plus strand): 5'-TTTTAAGAAAGAACTTCGAGAACCACAATTTCGGGATGCTGAGGAAAAGTATAGAGAAAT[G>A]ATGATTGTTATGAGGACAACAGAACTTGTGAACAAGGATCTGGATATTTATTATAAGACT-3'
Protein context (NP_005723.2, residues 1097-1117): FRDAEEKYRE[Met1107Ile]MIVMRTTELV